The following is an entry in ClinVar:

NM_014423.4(AFF4):c.2554A>G (p.Ser852Gly)

Gene: AFF4 (ALF transcription elongation factor 4; minus strand). Cytogenetic location: 5q31.1.
Variant type: single nucleotide variant.
Coding change: c.2554A>G on transcript NM_014423.4 (MANE Select); coding-DNA position 2554, A replaced by G.
Protein change: p.Ser852Gly; replaces serine 852 with glycine.
Molecular consequence: missense variant.
Genome position (GRCh38, 1-based): chr5:132,892,247, T>C on the plus strand (A>G on the coding strand, the complement: AFF4 is on the minus strand). VCF-style: chr5-132892247-T-C. GRCh37 (hg19) VCF-style: chr5-132227939-T-C.
Other names: short protein forms S852G.
Identifiers: ClinVar variation 3901009 (VCV003901009.1).

ClinVar aggregate classification (germline): Uncertain significance (1 of 4 stars; one submission).

Conditions:
Cognitive impairment - coarse facies - heart defects - obesity - pulmonary involvement - short stature - skeletal dysplasia syndrome. Also called: AFF4-Related CHOPS Syndrome; COGNITIVE IMPAIRMENT, COARSE FACIES, HEART DEFECTS, OBESITY, PULMONARY INVOLVEMENT, SHORT STATURE, AND SKELETAL DYSPLASIA; Chops syndrome. Identifiers: Orphanet 444077, MedGen C4085597, MONDO:0014609, OMIM 616368.

Submission:

Laboratorio de Genetica e Diagnostico Molecular, Hospital Israelita Albert Einstein
Classification: Uncertain significance for Cognitive impairment - coarse facies - heart defects - obesity - pulmonary involvement - short stature - skeletal dysplasia syndrome. Last evaluated: 2023-12-10. Review status: criteria provided, single submitter. Criteria: ACMG Guidelines, 2015. Collection method: clinical testing. Allele origin: germline. Affected: yes.
Comment: ACMG classification criteria: PM2 moderate, BP4 supporting